The following is an entry in ClinVar:

ClinVar aggregate classification (germline): Pathogenic (0 of 4 stars; one submission).

Conditions:
Polycystic kidney disease. Also called: Polycystic kidney dysplasia; Kidney, Polycystic. Identifiers: MedGen C0022680, MeSH D007690, MONDO:0020642, HP:0000113.

Submission:

Department of Pathology and Laboratory Medicine, Sinai Health System
Classification: Pathogenic for Polycystic Kidney disease. Review status: no assertion criteria provided. Collection method: clinical testing. Allele origin: unknown. Affected: yes. Observed: 1 variant allele. Study: The Canadian Open Genetics Repository (COGR).
Comment: The PKD1 p.Trp3963X variant was identified in 2 of 880 proband chromosomes (frequency: 0.002) from individuals or families with autosomal dominant polycystic kidney disease (Carrera 2016). The variant was not identified in the following databases: dbSNP, ClinVar, Clinvitae, LOVD 3.0, ADPKD Mutation Database, or PKD1-LOVD. The variant was not identified in the control databases: the 1000 Genomes Project, the NHLBI GO Exome Sequencing Project, the Exome Aggregation Consortium (August 8th 2016), or the Genome Aggregation Database (Feb 27, 2017). The p.Trp3963X variant leads to a premature stop codon at position 3963 which is predicted to lead to a truncated or absent protein and loss of function. Loss of function variants of the PKD1 gene are an established mechanism of disease in autosomal dominant polycystic kidney disease and is the type of variant expected to cause the disorder. In summary, based on the above information this variant meets our laboratoryâ€šÃ„Ã´s criteria to be classified as pathogenic.

NM_001009944.3(PKD1):c.11889G>A (p.Trp3963Ter)

Gene: PKD1 (polycystin 1, transient receptor potential channel interacting; minus strand). Cytogenetic location: 16p13.3.
Variant type: single nucleotide variant.
Coding change: c.11889G>A on transcript NM_001009944.3 (MANE Select); coding-DNA position 11889, G replaced by A.
Protein change: p.Trp3963Ter; replaces tryptophan 3963 with a stop codon.
Molecular consequence: nonsense.
Genome position (GRCh38, 1-based): chr16:2,090,998, C>T on the plus strand (G>A on the coding strand, the complement: PKD1 is on the minus strand). VCF-style: chr16-2090998-C-T. GRCh37 (hg19) VCF-style: chr16-2140999-C-T.
Other names: c.11886G>A, p.Trp3962Ter (NM_000296.4); short protein forms W3962*, W3963*.
Identifiers: ClinVar variation 997309 (VCV000997309.1), dbSNP rs2091491322, ClinGen allele CA394329395.